The following is an entry in ClinVar:

NM_000135.4(FANCA):c.2490G>T (p.Leu830Phe)

Gene: FANCA (FA complementation group A; minus strand). Cytogenetic location: 16q24.3.
Variant type: single nucleotide variant.
Coding change: c.2490G>T on transcript NM_000135.4 (MANE Select); coding-DNA position 2490, G replaced by T.
Protein change: p.Leu830Phe; replaces leucine 830 with phenylalanine.
Molecular consequence: missense variant.
Genome position (GRCh38, 1-based): chr16:89,769,851, C>A on the plus strand (G>T on the coding strand, the complement: FANCA is on the minus strand). VCF-style: chr16-89769851-C-A. GRCh37 (hg19) VCF-style: chr16-89836259-C-A.
Other names: c.2490G>T, p.Leu830Phe (NM_001286167.3); short protein forms L830F.
Identifiers: ClinVar variation 1061969 (VCV001061969.9), dbSNP rs2039261142, ClinGen allele CA397443046.
Genomic context (GRCh38, chr16:89,769,851, plus strand): 5'-TTTCGAGAGAGAGGAGAGAAGACGCGACTGTGGAAGAAGAGCTCACTTCAGGCAGAAGAA[C>A]AAGGAATCCCTCGTCCTACAGGTCAGGAGGCTGTCAAAGAGCGCAGGGACAGGAAGGCCA-3'
Protein context (NP_000126.2, residues 820-840): SLLTCRTRDS[Leu830Phe]FFCLKFCTAA

ClinVar aggregate classification (germline): Uncertain significance (1 of 4 stars; one submission).

Conditions:
Fanconi anemia (FA). Also called: Fanconi's anemia. Identifiers: Orphanet 84, MedGen C0015625, MeSH D005199, MONDO:0019391.

Submission:

Labcorp Genetics (formerly Invitae), Labcorp
Classification: Uncertain significance for Fanconi anemia. Last evaluated: 2024-02-23. Review status: criteria provided, single submitter. Criteria: Invitae Variant Classification Sherloc (09022015). Collection method: clinical testing. Allele origin: germline.
Comment: This sequence change replaces leucine, which is neutral and non-polar, with phenylalanine, which is neutral and non-polar, at codon 830 of the FANCA protein (p.Leu830Phe). This variant is not present in population databases (gnomAD no frequency). This variant has not been reported in the literature in individuals affected with FANCA-related conditions. ClinVar contains an entry for this variant (Variation ID: 1061969). Advanced modeling of protein sequence and biophysical properties (such as structural, functional, and spatial information, amino acid conservation, physicochemical variation, residue mobility, and thermodynamic stability) performed at Invitae indicates that this missense variant is not expected to disrupt FANCA protein function with a negative predictive value of 80%. In summary, the available evidence is currently insufficient to determine the role of this variant in disease. Therefore, it has been classified as a Variant of Uncertain Significance.